The following is an entry in ClinVar:

ClinVar aggregate classification (germline): Uncertain significance. Review status: criteria provided, multiple submitters, no conflicts (2 of 4 stars). 2 submissions from 2 submitters: Uncertain significance (2). Last evaluated 2024-11-15.

Conditions:
Inborn genetic diseases. Identifiers: MedGen C0950123, MeSH D030342.

Allele frequency attached by ClinVar (database versions not stated): gnomAD exomes below 0.00001 and 0.00001; TOPMed below 0.00001; ExAC 0.00001; gnomAD 0.00001.
gnomAD v4.1: 10 of 1,611,558 alleles (0.00062%); highest among the groups gnomAD compares: Non-Finnish European, 0.00085%; no homozygotes.

Submissions (2):

Ambry Genetics
Classification: Uncertain significance for Inborn genetic diseases. Last evaluated: 2024-11-15. Review status: criteria provided, single submitter. Criteria: Ambry Variant Classification Scheme 2023. Collection method: clinical testing. Allele origin: germline.

GeneDx
Classification: Uncertain significance. Last evaluated: 2019-06-25. Review status: criteria provided, single submitter. Criteria: GeneDx Variant Classification Process June 2021. Collection method: clinical testing. Allele origin: germline. Affected: yes.
Comment: Not observed at a significant frequency in large population cohorts (Lek et al., 2016); In silico analysis, which includes protein predictors and evolutionary conservation, supports that this variant does not alter protein structure/function; Has not been previously published as pathogenic or benign to our knowledge

NM_020435.4(GJC2):c.259A>C (p.Ile87Leu)

Gene: GJC2 (gap junction protein gamma 2; plus strand). Cytogenetic location: 1q42.13.
Variant type: single nucleotide variant.
Coding change: c.259A>C on transcript NM_020435.4 (MANE Select); coding-DNA position 259, A replaced by C.
Protein change: p.Ile87Leu; replaces isoleucine 87 with leucine.
Molecular consequence: missense variant.
Genome position (GRCh38, 1-based): chr1:228,158,017, A>C. VCF-style: chr1-228158017-A-C. GRCh37 (hg19) VCF-style: chr1-228345718-A-C.
Other names: short protein forms I87L.
Identifiers: ClinVar variation 1306637 (VCV001306637.3), dbSNP rs776048044, ClinGen allele CA1430826.